The following is an entry in ClinVar:

NM_002474.3(MYH11):c.3055G>T (p.Glu1019Ter)

Gene: MYH11 (myosin heavy chain 11; minus strand). Cytogenetic location: 16p13.11.
Variant type: single nucleotide variant.
Coding change: c.3055G>T on transcript NM_002474.3 (MANE Select); coding-DNA position 3055, G replaced by T.
Protein change: p.Glu1019Ter; replaces glutamic acid 1019 with a stop codon.
Molecular consequence: nonsense.
Genome position (GRCh38, 1-based): chr16:15,738,631, C>A on the plus strand (G>T on the coding strand, the complement: MYH11 is on the minus strand). VCF-style: chr16-15738631-C-A. GRCh37 (hg19) VCF-style: chr16-15832488-C-A.
Other names: c.3076G>T, p.Glu1026Ter (NM_001040113.2, NM_001040114.2); c.3055G>T, p.Glu1019Ter (NM_022844.3); short protein forms E1019*, E1026*.
Identifiers: ClinVar variation 3074533 (VCV003074533.1), dbSNP rs2506191843, ClinGen allele CA394863865.

ClinVar aggregate classification (germline): Uncertain significance (1 of 4 stars; one submission).

Conditions:
Familial thoracic aortic aneurysm and aortic dissection (TAAD). Also called: Thoracic aortic aneurysms and dissections. Identifiers: Orphanet 91387, MedGen C4707243, MONDO:0019625.

Submission:

All of Us Research Program, National Institutes of Health
Classification: Uncertain significance for Familial thoracic aortic aneurysm and aortic dissection. Last evaluated: 2023-11-20. Review status: criteria provided, single submitter. Criteria: ACMG Guidelines, 2015. Collection method: clinical testing. Allele origin: germline. Inheritance: Autosomal dominant inheritance. Observed: 1 variant allele, 1 heterozygote.
Comment: This variant changes 1 nucleotide in exon 25 of the MYH11 gene, creating a premature translation stop signal. This variant is expected to result in an absent or non-functional protein product. To our knowledge, this variant has not been reported in individuals affected with MYH11-related disorders in the literature. This variant has not been identified in the general population by the Genome Aggregation Database (gnomAD). Clinical relevance of loss-of-function MYH11 truncation variants in autosomal dominant cardiovascular disorders is not clearly established. The available evidence is insufficient to determine the role of this variant in disease conclusively. Therefore, this variant is classified as a Variant of Uncertain Significance.

This study involves interpretation of variants in research participants for the purpose of population health screening. Participant phenotype was not available at the time of variant classification. Additional details can be found in publication PMID: 35346344, PMCID: PMC8962531